The following is an entry in ClinVar:

ClinVar aggregate classification (germline): Uncertain significance (1 of 4 stars; one submission).

Submission:

Ambry Genetics
Classification: Uncertain significance. Last evaluated: 2023-08-29. Review status: criteria provided, single submitter. Criteria: Ambry Variant Classification Scheme 2023. Collection method: clinical testing. Allele origin: germline.
Comment: The p.V714L variant (also known as c.2140G>C) is located in coding exon 20 of the PRKDC gene. The valine at codon 714 is replaced by leucine, an amino acid with highly similar properties. This change occurs in the first base pair of coding exon 20. This amino acid position is conserved. In addition, the in silico prediction for this alteration is inconclusive. Since supporting evidence is limited at this time, the clinical significance of this alteration remains unclear.

NM_006904.7(PRKDC):c.2140G>C (p.Val714Leu)

Gene: PRKDC (protein kinase, DNA-activated, catalytic subunit; minus strand). Cytogenetic location: 8q11.21.
Variant type: single nucleotide variant.
Coding change: c.2140G>C on transcript NM_006904.7 (MANE Select); coding-DNA position 2140, G replaced by C.
Protein change: p.Val714Leu; replaces valine 714 with leucine.
Molecular consequence: missense variant.
Genome position (GRCh38, 1-based): chr8:47,927,890, C>G on the plus strand (G>C on the coding strand, the complement: PRKDC is on the minus strand). VCF-style: chr8-47927890-C-G. GRCh37 (hg19) VCF-style: chr8-48840450-C-G.
Other names: c.2140G>C, p.Val714Leu (NM_001081640.2); short protein forms V714L.
Identifiers: ClinVar variation 2586676 (VCV002586676.2), dbSNP rs1422347138, ClinGen allele CA371162994.